The following is an entry in ClinVar:

NM_001987.5(ETV6):c.397T>C (p.Phe133Leu)

Gene: ETV6 (ETS variant transcription factor 6; plus strand). Cytogenetic location: 12p13.2.
Variant type: single nucleotide variant.
Coding change: c.397T>C on transcript NM_001987.5 (MANE Select); coding-DNA position 397, T replaced by C.
Protein change: p.Phe133Leu; replaces phenylalanine 133 with leucine.
Molecular consequence: missense variant.
Genome position (GRCh38, 1-based): chr12:11,853,495, T>C. VCF-style: chr12-11853495-T-C. GRCh37 (hg19) VCF-style: chr12-12006429-T-C.
Other names: c.394T>C, p.Phe132Leu (NM_001413913.1); c.370T>C, p.Phe124Leu (NM_001413914.1); c.133T>C, p.Phe45Leu (NM_001413915.1); c.397T>C, p.Phe133Leu (NM_001413916.1, NM_001413917.1); short protein forms F124L, F132L, F45L, F133L.
Identifiers: ClinVar variation 2749100 (VCV002749100.5), dbSNP rs1264934100, ClinGen allele CA384043111.

ClinVar aggregate classification (germline): Uncertain significance. Review status: criteria provided, multiple submitters, no conflicts (2 of 4 stars). 2 submissions from 2 submitters: Uncertain significance (2). Last evaluated 2026-02-24.

Conditions:
Inborn genetic diseases. Identifiers: MedGen C0950123, MeSH D030342.

Allele frequency attached by ClinVar (database versions not stated): TOPMed below 0.00001; gnomAD 0.00001; gnomAD exomes 0.00001.
gnomAD v4.1: 4 of 1,614,110 alleles (0.00025%); highest among the groups gnomAD compares: Non-Finnish European, 0.00034%; no homozygotes.

Submissions (2):

Ambry Genetics
Classification: Uncertain significance for Inborn genetic diseases. Last evaluated: 2026-02-24. Review status: criteria provided, single submitter. Criteria: Ambry Variant Classification Scheme 2023. Collection method: clinical testing. Allele origin: germline.

Labcorp Genetics (formerly Invitae), Labcorp
Classification: Uncertain significance. Last evaluated: 2023-10-04. Review status: criteria provided, single submitter. Criteria: Invitae Variant Classification Sherloc (09022015). Collection method: clinical testing. Allele origin: germline.
Comment: This sequence change replaces phenylalanine, which is neutral and non-polar, with leucine, which is neutral and non-polar, at codon 133 of the ETV6 protein (p.Phe133Leu). This variant is present in population databases (no rsID available, gnomAD 0.007%). This variant has not been reported in the literature in individuals affected with ETV6-related conditions. Advanced modeling of protein sequence and biophysical properties (such as structural, functional, and spatial information, amino acid conservation, physicochemical variation, residue mobility, and thermodynamic stability) performed at Invitae indicates that this missense variant is not expected to disrupt ETV6 protein function. In summary, the available evidence is currently insufficient to determine the role of this variant in disease. Therefore, it has been classified as a Variant of Uncertain Significance.